The following is an entry in ClinVar:

NM_001127511.3(APC):c.98_99delinsTT (p.Cys33Phe)

Gene: APC (APC regulator of Wnt signaling pathway; plus strand). Cytogenetic location: 5q22.2.
Variant type: Indel.
Coding change: c.98_99delinsTT on transcript NM_001127511.3; coding-DNA positions 98 to 99, GC replaced by TT.
Protein change: p.Cys33Phe; replaces cysteine 33 with phenylalanine.
Molecular consequence: missense variant. On other transcripts: 5 prime UTR variant (8), non-coding transcript variant (1), intron variant (5).
Genome position (GRCh38, 1-based): chr5:112,707,815-112,707,816, GC replaced by TT. VCF-style: chr5-112707815-GC-TT. GRCh37 (hg19) VCF-style: chr5-112043512-GC-TT.
Other names: c.-86_-85delinsTT (NM_001354895.2, NM_001407447.1, NM_001407452.1 and 3 more transcripts); c.98_99delinsTT, p.Cys33Phe (NM_001354897.2, NM_001354902.2, NM_001407446.1); c.-1121_-1120delinsTT (NM_001407470.1, NM_001407472.1); c.-19+166_-19+167delinsTT (NM_001407448.1, NM_001407450.1, NM_001407457.1 and 1 more transcripts); c.-43+166_-43+167delinsTT (NM_001407453.1); short protein forms C33F.
Identifiers: ClinVar variation 1023997 (VCV001023997.9), dbSNP rs1750611037, ClinGen allele CA1573442746.
Genomic context (GRCh38, chr5:112,707,815, plus strand): 5'-TGCCCGCTTCTGTACCACCCTCAGTTCTCGGGTCCTGGAGCACCGGCGGCAGCAGGAGCT[GC>TT]GTCCGGCAGGAGACGAAGAGCCCGGGCGGCGCTCGTACTTCTGGCCACTGGGCGAGCGTC-3'

ClinVar aggregate classification (germline): Uncertain significance (1 of 4 stars; one submission).

Conditions:
Familial adenomatous polyposis 1 (FAP1). Also called: FAMILIAL ADENOMATOUS POLYPOSIS 1, ATTENUATED; POLYPOSIS, ADENOMATOUS INTESTINAL. Identifiers: MedGen C2713442, MONDO:0021056, OMIM 175100. Disease mechanism: loss of function.

Submission:

Labcorp Genetics (formerly Invitae), Labcorp
Classification: Uncertain significance for Familial adenomatous polyposis 1. Last evaluated: 2019-09-30. Review status: criteria provided, single submitter. Criteria: Invitae Variant Classification Sherloc (09022015). Collection method: clinical testing. Allele origin: germline.
Comment: This variant occurs in a non-coding region of the APC gene. It does not change the encoded amino acid sequence of the APC protein. In summary, the available evidence is currently insufficient to determine the role of this variant in disease. Therefore, it has been classified as a Variant of Uncertain Significance. Experimental studies and prediction algorithms are not available for this variant, and the functional significance of this non-coding change is currently unknown. This variant has not been reported in the literature in individuals with APC-related conditions. The frequency data for this variant in the population databases is considered unreliable, as metrics indicate insufficient coverage at this position in the ExAC database.